The following is an entry in ClinVar:

ClinVar aggregate classification (germline): Uncertain significance (1 of 4 stars; one submission).

Allele frequency attached by ClinVar (database versions not stated): gnomAD exomes below 0.00001; TOPMed below 0.00001.
gnomAD v4.1: 2 of 1,611,564 alleles (0.00012%); highest among the groups gnomAD compares: Admixed American, 0.0017%; no homozygotes.

Submission:

Labcorp Genetics (formerly Invitae), Labcorp
Classification: Uncertain significance. Last evaluated: 2022-05-03. Review status: criteria provided, single submitter. Criteria: Invitae Variant Classification Sherloc (09022015). Collection method: clinical testing. Allele origin: germline.
Comment: This sequence change replaces glutamine, which is neutral and polar, with arginine, which is basic and polar, at codon 105 of the NBAS protein (p.Gln105Arg). This variant is not present in population databases (gnomAD no frequency). This variant has not been reported in the literature in individuals affected with NBAS-related conditions. Algorithms developed to predict the effect of missense changes on protein structure and function (SIFT, PolyPhen-2, Align-GVGD) all suggest that this variant is likely to be disruptive. In summary, the available evidence is currently insufficient to determine the role of this variant in disease. Therefore, it has been classified as a Variant of Uncertain Significance.

NM_015909.4(NBAS):c.314A>G (p.Gln105Arg)

Gene: NBAS (NBAS subunit of NRZ tethering complex; minus strand). Cytogenetic location: 2p24.3.
Variant type: single nucleotide variant.
Coding change: c.314A>G on transcript NM_015909.4 (MANE Select); coding-DNA position 314, A replaced by G.
Protein change: p.Gln105Arg; replaces glutamine 105 with arginine.
Molecular consequence: missense variant. On other transcripts: non-coding transcript variant (1).
Genome position (GRCh38, 1-based): chr2:15,553,447, T>C on the plus strand (A>G on the coding strand, the complement: NBAS is on the minus strand). VCF-style: chr2-15553447-T-C. GRCh37 (hg19) VCF-style: chr2-15693571-T-C.
Other names: short protein forms Q105R.
Identifiers: ClinVar variation 2132861 (VCV002132861.1), dbSNP rs1664476768, ClinGen allele CA345892765.